The following is an entry in ClinVar:

ClinVar aggregate classification (germline): Pathogenic (1 of 4 stars; one submission).

Conditions:
Very long chain acyl-CoA dehydrogenase deficiency (ACADVLD). Also called: VLCAD Deficiency; Very Long-Chain Acyl-Coenzyme A Dehydrogenase Deficiency. Identifiers: Orphanet 26793, MedGen C3887523, MONDO:0008723, OMIM 201475.

Submission:

Labcorp Genetics (formerly Invitae), Labcorp
Classification: Pathogenic for Very long chain acyl-CoA dehydrogenase deficiency. Last evaluated: 2023-09-25. Review status: criteria provided, single submitter. Criteria: Invitae Variant Classification Sherloc (09022015). Collection method: clinical testing. Allele origin: germline.
Comment: For these reasons, this variant has been classified as Pathogenic. This variant has not been reported in the literature in individuals affected with ACADVL-related conditions. This variant is not present in population databases (gnomAD no frequency). This sequence change creates a premature translational stop signal (p.Glu277*) in the ACADVL gene. It is expected to result in an absent or disrupted protein product. Loss-of-function variants in ACADVL are known to be pathogenic (PMID: 9973285, 11590124).

Literature cited by the submitters: PubMed 9973285; PubMed 11590124.

NM_000018.4(ACADVL):c.829G>T (p.Glu277Ter)

Gene: ACADVL (acyl-CoA dehydrogenase very long chain; plus strand). Cytogenetic location: 17p13.1.
Variant type: single nucleotide variant.
Coding change: c.829G>T on transcript NM_000018.4 (MANE Select); coding-DNA position 829, G replaced by T.
Protein change: p.Glu277Ter; replaces glutamic acid 277 with a stop codon.
Molecular consequence: nonsense.
Genome position (GRCh38, 1-based): chr17:7,222,253, G>T. VCF-style: chr17-7222253-G-T. GRCh37 (hg19) VCF-style: chr17-7125572-G-T.
Other names: c.763G>T, p.Glu255Ter (NM_001033859.3); c.898G>T, p.Glu300Ter (NM_001270447.2); c.601G>T, p.Glu201Ter (NM_001270448.2); short protein forms E277*, E300*, E201*, E255*.
Identifiers: ClinVar variation 2761528 (VCV002761528.3), dbSNP rs1208459885, ClinGen allele CA397723773.
Genomic context (GRCh38, chr17:7,222,253, plus strand): 5'-GACATCTTCACGGTCTTTGCCAAGACACCAGTTACAGATCCAGCCACAGGAGCCGTGAAG[G>T]AGAAGATCACAGCTTTTGTGGTGGAGAGGGGCTTCGGGGGCATTACCCAGTGAGTGAATT-3'